The following is an entry in ClinVar:

ClinVar aggregate classification (germline): Uncertain significance (1 of 4 stars; one submission).

Conditions:
Hereditary cancer-predisposing syndrome. Also called: Tumor predisposition; Hereditary neoplastic syndrome; Hereditary Cancer Syndrome; Neoplastic Syndromes, Hereditary. Identifiers: Orphanet 140162, MedGen C0027672, MeSH D009386, MONDO:0015356.

Allele frequency attached by ClinVar (database versions not stated): ExAC 0.00001.

Submission:

Ambry Genetics
Classification: Uncertain significance for Hereditary cancer-predisposing syndrome. Last evaluated: 2023-11-11. Review status: criteria provided, single submitter. Criteria: Ambry Variant Classification Scheme 2023. Collection method: clinical testing. Allele origin: germline.
Comment: The p.P1620S variant (also known as c.4858C>T), located in coding exon 29 of the ALK gene, results from a C to T substitution at nucleotide position 4858. The proline at codon 1620 is replaced by serine, an amino acid with similar properties. This amino acid position is conserved. In addition, this alteration is predicted to be tolerated by in silico analysis. Since supporting evidence is limited at this time, the clinical significance of this alteration remains unclear.

NM_004304.5(ALK):c.4858C>T (p.Pro1620Ser)

Gene: ALK (ALK receptor tyrosine kinase; minus strand). Cytogenetic location: 2p23.2.
Variant type: single nucleotide variant.
Coding change: c.4858C>T on transcript NM_004304.5 (MANE Select); coding-DNA position 4858, C replaced by T.
Protein change: p.Pro1620Ser; replaces proline 1620 with serine.
Molecular consequence: missense variant.
Genome position (GRCh38, 1-based): chr2:29,193,229, G>A on the plus strand (C>T on the coding strand, the complement: ALK is on the minus strand). VCF-style: chr2-29193229-G-A. GRCh37 (hg19) VCF-style: chr2-29416095-G-A.
Other names: c.1654C>T, p.Pro552Ser (NM_001353765.2); short protein forms P1620S, P552S.
Identifiers: ClinVar variation 3223916 (VCV003223916.1), dbSNP rs776637020, ClinGen allele CA1593461.